The following is an entry in ClinVar:

NM_004525.3(LRP2):c.5641G>A (p.Ala1881Thr)

Gene: LRP2 (LDL receptor related protein 2; minus strand). Cytogenetic location: 2q31.1.
Variant type: single nucleotide variant.
Coding change: c.5641G>A on transcript NM_004525.3 (MANE Select); coding-DNA position 5641, G replaced by A.
Protein change: p.Ala1881Thr; replaces alanine 1881 with threonine.
Molecular consequence: missense variant.
Genome position (GRCh38, 1-based): chr2:169,220,461, C>T on the plus strand (G>A on the coding strand, the complement: LRP2 is on the minus strand). VCF-style: chr2-169220461-C-T. GRCh37 (hg19) VCF-style: chr2-170076971-C-T.
Other names: short protein forms A1881T.
Identifiers: ClinVar variation 4778966 (VCV004778966.1).
Genomic context (GRCh38, chr2:169,220,461, plus strand): 5'-CATTAACAAGAACAATGCTGCATGGAAGACACGTGCCATTTATGAATACTCACCCACGAG[C>T]AGGATCAACAGTTATGCCAATTGGAAAGCCAACTCCAAGAGCTGTCCCATCATTGGCAAT-3'
Protein context (NP_004516.2, residues 1871-1891): GFPIGITVDP[Ala1881Thr]RGKLYWSDQG

ClinVar aggregate classification (germline): Uncertain significance (1 of 4 stars; one submission).

gnomAD v4.1: 2 of 1,612,472 alleles (0.00012%); highest among the groups gnomAD compares: African/African-American, 0.0013%; no homozygotes.

Submission:

Labcorp Genetics (formerly Invitae), Labcorp
Classification: Uncertain significance. Last evaluated: 2025-12-09. Review status: criteria provided, single submitter. Criteria: Invitae Variant Classification Sherloc (09022015). Collection method: clinical testing. Allele origin: germline.
Comment: This sequence change replaces alanine, which is neutral and non-polar, with threonine, which is neutral and polar, at codon 1881 of the LRP2 protein (p.Ala1881Thr). This variant is present in population databases (no rsID available, gnomAD 0.007%). This variant has not been reported in the literature in individuals affected with LRP2-related conditions. Invitae Evidence Modeling of protein sequence and biophysical properties (such as structural, functional, and spatial information, amino acid conservation, physicochemical variation, residue mobility, and thermodynamic stability) indicates that this missense variant is not expected to disrupt LRP2 protein function with a negative predictive value of 80%. In summary, the available evidence is currently insufficient to determine the role of this variant in disease. Therefore, it has been classified as a Variant of Uncertain Significance.